The following is an entry in ClinVar:

ClinVar aggregate classification (germline): Likely pathogenic (1 of 4 stars; one submission).

Submission:

GeneDx
Classification: Likely pathogenic. Last evaluated: 2024-07-18. Review status: criteria provided, single submitter. Criteria: GeneDx Variant Classification Process June 2021. Collection method: clinical testing. Allele origin: germline. Affected: yes.
Comment: Frameshift variant predicted to result in protein truncation or nonsense mediated decay in a gene for which loss of function is a known mechanism of disease; Not observed at significant frequency in large population cohorts (gnomAD); Has not been previously published as pathogenic or benign to our knowledge

NM_000157.4(GBA1):c.1065del (p.Leu356fs)

Genes: GBA1 (glucosylceramidase beta 1; minus strand), LOC106627981 (GBA recombination region; plus strand). Cytogenetic location: 1q22.
Variant type: Deletion.
Coding change: c.1065del on transcript NM_000157.4 (MANE Select); coding-DNA position 1065, one base deleted (T; older notation c.1065delT).
Protein change: p.Leu356fs; shifts the reading frame from leucine 356.
Molecular consequence: frameshift variant.
Genome position (GRCh38, 1-based): chr1:155,236,404, A deleted on the plus strand (T on the coding strand, the reverse complement: GBA1 is on the minus strand); the first of 3 consecutive A bases (chr1:155,236,404-155,236,406); deleting any one gives the same sequence. VCF-style (leftmost placement, unchanged base first): chr1-155236403-GA-G. GRCh37 (hg19) VCF-style: chr1-155206194-GA-G.
Other names: c.1065del, p.Leu356fs (NM_001005741.3, NM_001005742.3); c.804del, p.Leu269fs (NM_001171811.2); c.918del, p.Leu307fs (NM_001171812.2); short protein forms L269fs, L307fs, L356fs.
Identifiers: ClinVar variation 3573806 (VCV003573806.1).